The following is an entry in ClinVar:

ClinVar aggregate classification (germline): Pathogenic (1 of 4 stars; one submission).

Conditions:
Hereditary cancer-predisposing syndrome. Also called: Neoplastic Syndromes, Hereditary; Tumor predisposition; Hereditary Cancer Syndrome; Hereditary neoplastic syndrome. Identifiers: Orphanet 140162, MedGen C0027672, MeSH D009386, MONDO:0015356.

Submission:

Molecular Diagnostics Laboratory, Catalan Institute of Oncology
Classification: Pathogenic for Hereditary cancer-predisposing syndrome. Last evaluated: 2024-12-22. Review status: criteria provided, single submitter. Criteria: ClinGen ACMG Specifications ATM V1.1.0. Collection method: clinical testing. Allele origin: germline.
Comment: PVS1, PM2_Supporting, PM5_Supporting c.2683_2684del, located in exon 18 of the ATM gene, consists in the deletion of two nucleotides, causing a translational frameshift with a predicted alternate stop codon, p.(Leu895Thrfs*24). This alteration is expected to result in loss of function by premature protein truncation and nonsense-mediated mRNA decay (PVS1, PM5_Supporting). It is not present in the population database gnomAD v2.1.1, non cancer dataset (PM2_supporting). To our knowledge, functional studies have not been reported for this variant. In addition, it has not been reported neither in ClinVar nor LOVD databases. Based on currently available information, the variant c.2683_2684del is classified as a pathogenic variant according to ClinGen-ATM Guidelines version v1.1.

NM_000051.4(ATM):c.2683_2684del (p.Leu895fs)

Gene: ATM (ATM serine/threonine kinase; plus strand). Cytogenetic location: 11q22.3.
Variant type: Deletion.
Coding change: c.2683_2684del on transcript NM_000051.4 (MANE Select); coding-DNA positions 2683 to 2684, 2 bases deleted (CT; older notation c.2683_2684delCT).
Protein change: p.Leu895fs; shifts the reading frame from leucine 895.
Molecular consequence: frameshift variant.
Genome position (GRCh38, 1-based): chr11:108,268,454-108,268,455, CT deleted; deleting any 2 consecutive bases within chr11:108,268,453-108,268,455 gives the same sequence; the c. name uses the placement nearest the transcript's 3' end. VCF-style (leftmost placement, unchanged base first): chr11-108268452-ATC-A. GRCh37 (hg19) VCF-style: chr11-108139179-ATC-A.
Other names: c.2683_2684del, p.Leu895fs (NM_001351834.2); short protein forms L895fs.
Identifiers: ClinVar variation 3893671 (VCV003893671.1).
Genomic context (GRCh38, chr11:108,268,452, plus strand): 5'-AGTGCTTTTTATTTTTAGGTGCCATTAATCCTTTAGCTGAAGAATATCTGTCAAAGCAAG[ATC>A]TACTTTTCTTAGACATGCTCAAGTTCTTGTGTTTGTGTGTAACTACTGCTCAGACCAATA-3'